The following is an entry in ClinVar:

NM_020754.4(ARHGAP31):c.1250G>C (p.Arg417Pro)

Gene: ARHGAP31 (Rho GTPase activating protein 31; plus strand). Cytogenetic location: 3q13.33.
Variant type: single nucleotide variant.
Coding change: c.1250G>C on transcript NM_020754.4 (MANE Select); coding-DNA position 1250, G replaced by C.
Protein change: p.Arg417Pro; replaces arginine 417 with proline.
Molecular consequence: missense variant.
Genome position (GRCh38, 1-based): chr3:119,402,002, G>C. VCF-style: chr3-119402002-G-C. GRCh37 (hg19) VCF-style: chr3-119120849-G-C.
Other names: short protein forms R417P.
Identifiers: ClinVar variation 3625568 (VCV003625568.2).

ClinVar aggregate classification (germline): Uncertain significance (1 of 4 stars; one submission).

gnomAD v4.1: 4 of 1,614,136 alleles (0.00025%); highest among the groups gnomAD compares: South Asian, 0.0044%; no homozygotes.

Submission:

Labcorp Genetics (formerly Invitae), Labcorp
Classification: Uncertain significance. Last evaluated: 2024-07-23. Review status: criteria provided, single submitter. Criteria: Invitae Variant Classification Sherloc (09022015). Collection method: clinical testing. Allele origin: germline.
Comment: This sequence change replaces arginine, which is basic and polar, with proline, which is neutral and non-polar, at codon 417 of the ARHGAP31 protein (p.Arg417Pro). This variant is not present in population databases (gnomAD no frequency). This variant has not been reported in the literature in individuals affected with ARHGAP31-related conditions. An algorithm developed to predict the effect of missense changes on protein structure and function (PolyPhen-2) suggests that this variant is likely to be tolerated. In summary, the available evidence is currently insufficient to determine the role of this variant in disease. Therefore, it has been classified as a Variant of Uncertain Significance.